The following is an entry in ClinVar:

ClinVar aggregate classification (germline): Uncertain significance. Review status: criteria provided, multiple submitters, no conflicts (2 of 4 stars). 2 submissions from 2 submitters: Uncertain significance (2). Last evaluated 2025-12-08.

Conditions:
Hereditary cancer-predisposing syndrome. Also called: Hereditary neoplastic syndrome; Neoplastic Syndromes, Hereditary; Tumor predisposition; Hereditary Cancer Syndrome. Identifiers: Orphanet 140162, MedGen C0027672, MeSH D009386, MONDO:0015356.

Submissions (2):

Labcorp Genetics (formerly Invitae), Labcorp
Classification: Uncertain significance. Last evaluated: 2025-12-08. Review status: criteria provided, single submitter. Criteria: Invitae Variant Classification Sherloc (09022015). Collection method: clinical testing. Allele origin: germline.
Comment: This sequence change replaces serine, which is neutral and polar, with proline, which is neutral and non-polar, at codon 536 of the POLE protein (p.Ser536Pro). This variant is not present in population databases (gnomAD no frequency). This variant has not been reported in the literature in individuals affected with POLE-related conditions. ClinVar contains an entry for this variant (Variation ID: 4141133). Invitae Evidence Modeling of protein sequence and biophysical properties (such as structural, functional, and spatial information, amino acid conservation, physicochemical variation, residue mobility, and thermodynamic stability) has been performed for this missense variant. However, the output from this modeling did not meet the statistical confidence thresholds required to predict the impact of this variant on POLE protein function. In summary, the available evidence is currently insufficient to determine the role of this variant in disease. Therefore, it has been classified as a Variant of Uncertain Significance.

Ambry Genetics
Classification: Uncertain significance for Hereditary cancer-predisposing syndrome. Last evaluated: 2025-06-23. Review status: criteria provided, single submitter. Criteria: Ambry Variant Classification Scheme 2023. Collection method: clinical testing. Allele origin: germline.
Comment: The p.S536P variant (also known as c.1606T>C), located in coding exon 15 of the POLE gene, results from a T to C substitution at nucleotide position 1606. The serine at codon 536 is replaced by proline, an amino acid with similar properties. This amino acid position is conserved. In addition, this alteration is predicted to be tolerated by in silico analysis. Based on the available evidence, the clinical significance of this variant remains unclear.

NM_006231.4(POLE):c.1606T>C (p.Ser536Pro)

Gene: POLE (DNA polymerase epsilon, catalytic subunit; minus strand). Cytogenetic location: 12q24.33.
Variant type: single nucleotide variant.
Coding change: c.1606T>C on transcript NM_006231.4 (MANE Select); coding-DNA position 1606, T replaced by C.
Protein change: p.Ser536Pro; replaces serine 536 with proline.
Molecular consequence: missense variant.
Genome position (GRCh38, 1-based): chr12:132,672,707, A>G on the plus strand (T>C on the coding strand, the complement: POLE is on the minus strand). VCF-style: chr12-132672707-A-G. GRCh37 (hg19) VCF-style: chr12-133249293-A-G.
Other names: short protein forms S536P.
Identifiers: ClinVar variation 4141133 (VCV004141133.2).
Genomic context (GRCh38, chr12:132,672,707, plus strand): 5'-TATCGCTGCGGAAAACCCCAGACTCGAGGGCCTCCACGTGGCCCCCGACGTAGGTCTCAG[A>G]GTCCAGCACGTGTCCGTCGTCCGTCAGCTTATTGAACTCCTGCTCTTGCTTGTTGGGGAA-3'
Protein context (NP_006222.2, residues 526-546): KLTDDGHVLD[Ser536Pro]ETYVGGHVEA